The following is an entry in ClinVar:

NM_182972.3(IRF2BP2):c.631G>A (p.Ala211Thr)

Genes: IRF2BP2 (interferon regulatory factor 2 binding protein 2; minus strand), LOC129932811 (ATAC-STARR-seq lymphoblastoid silent region 1976; plus strand). Cytogenetic location: 1q42.3.
Variant type: single nucleotide variant.
Coding change: c.631G>A on transcript NM_182972.3 (MANE Select); coding-DNA position 631, G replaced by A.
Protein change: p.Ala211Thr; replaces alanine 211 with threonine.
Molecular consequence: missense variant.
Genome position (GRCh38, 1-based): chr1:234,608,864, C>T on the plus strand (G>A on the coding strand, the complement: IRF2BP2 is on the minus strand). VCF-style: chr1-234608864-C-T. GRCh37 (hg19) VCF-style: chr1-234744610-C-T.
Other names: c.631G>A, p.Ala211Thr (NM_001077397.1); short protein forms A211T.
Identifiers: ClinVar variation 1982020 (VCV001982020.4), dbSNP rs1003995542, ClinGen allele CA345309232.

ClinVar aggregate classification (germline): Uncertain significance (1 of 4 stars; one submission).

gnomAD v4.1: 6 of 1,319,240 alleles (0.00045%); highest among the groups gnomAD compares: Non-Finnish European, 0.00057%; no homozygotes.

Submission:

Labcorp Genetics (formerly Invitae), Labcorp
Classification: Uncertain significance. Last evaluated: 2025-07-19. Review status: criteria provided, single submitter. Criteria: Invitae Variant Classification Sherloc (09022015). Collection method: clinical testing. Allele origin: germline.
Comment: This sequence change replaces alanine, which is neutral and non-polar, with threonine, which is neutral and polar, at codon 211 of the IRF2BP2 protein (p.Ala211Thr). This variant is not present in population databases (gnomAD no frequency). This missense change has been observed in individual(s) with common variable immunodeficiency (PMID: 40090425). ClinVar contains an entry for this variant (Variation ID: 1982020). An algorithm developed to predict the effect of missense changes on protein structure and function (PolyPhen-2) suggests that this variant is likely to be disruptive. In summary, the available evidence is currently insufficient to determine the role of this variant in disease. Therefore, it has been classified as a Variant of Uncertain Significance.

Literature cited by the submitters: PubMed 40090425.